The following is an entry in ClinVar:

ClinVar aggregate classification (germline): Likely pathogenic (1 of 4 stars; one submission).

Submission:

Labcorp Genetics (formerly Invitae), Labcorp
Classification: Likely pathogenic. Last evaluated: 2024-03-21. Review status: criteria provided, single submitter. Criteria: Invitae Variant Classification Sherloc (09022015). Collection method: clinical testing. Allele origin: germline.
Comment: This variant results in the deletion of part of exon 13 (c.1302_1318+73del) of the TBCD gene. It is expected to disrupt RNA splicing. Variants that disrupt the donor or acceptor splice site typically lead to a loss of protein function (PMID: 16199547), and loss-of-function variants in TBCD are known to be pathogenic (PMID: 27666370, 27666374). This variant is present in population databases (no rsID available, gnomAD 0.007%). This variant has not been reported in the literature in individuals affected with TBCD-related conditions. In summary, the currently available evidence indicates that the variant is pathogenic, but additional data are needed to prove that conclusively. Therefore, this variant has been classified as Likely Pathogenic.

Literature cited by the submitters: PubMed 16199547; PubMed 27666370; PubMed 27666374.

NM_005993.5(TBCD):c.1302_1318+73del

Gene: TBCD (tubulin folding cofactor D). Cytogenetic location: 17q25.3.
Variant type: Deletion.
Coding change: c.1302_1318+73del on transcript NM_005993.5 (MANE Select); coding-DNA position 1302 through 73 bases into the intron after coding-DNA position 1318, this stretch deleted.
Molecular consequence: splice donor variant.
Genome position: GRCh38: chr17:82,814,918-82,815,007. GRCh37 (hg19): chr17:80,772,794-80,772,883.
Other names: c.1302_1318+73del (NM_001411102.1); c.1251_1267+73del (NM_001411101.1).
Identifiers: ClinVar variation 2890758 (VCV002890758.3), dbSNP rs2510940628, ClinGen allele CA8861976.